The following is an entry in ClinVar:

NM_000427.3(LORICRIN):c.561_566delinsGCGGCGG (p.Cys187fs)

Gene: LORICRIN (loricrin cornified envelope precursor protein; plus strand). Cytogenetic location: 1q21.3.
Variant type: Indel.
Coding change: c.561_566delinsGCGGCGG on transcript NM_000427.3 (MANE Select); coding-DNA positions 561 to 566, CGGCTA replaced by GCGGCGG.
Protein change: p.Cys187fs; shifts the reading frame from cysteine 187.
Molecular consequence: frameshift variant.
Genome position (GRCh38, 1-based): chr1:153,261,510-153,261,515, CGGCTA replaced by GCGGCGG. VCF-style: chr1-153261510-CGGCTA-GCGGCGG. GRCh37 (hg19) VCF-style: chr1-153233986-CGGCTA-GCGGCGG.
Other names: short protein forms C187fs.
Identifiers: ClinVar variation 2092231 (VCV002092231.4), dbSNP rs2526493728, ClinGen allele CA2580061062.

ClinVar aggregate classification (germline): Uncertain significance (1 of 4 stars; one submission).

Submission:

Labcorp Genetics (formerly Invitae), Labcorp
Classification: Uncertain significance. Last evaluated: 2022-07-31. Review status: criteria provided, single submitter. Criteria: Invitae Variant Classification Sherloc (09022015). Collection method: clinical testing. Allele origin: germline.
Comment: In summary, the available evidence is currently insufficient to determine the role of this variant in disease. Therefore, it has been classified as a Variant of Uncertain Significance. This variant results in an extension of the LOR protein. Other variant(s) that result in a similarly extended protein product (p.Ser270Leufs*66) have been determined to be pathogenic (PMID: 25965869). This suggests that these extensions are likely to be disease-causing. This variant has not been reported in the literature in individuals affected with LOR-related conditions. Information on the frequency of this variant in the gnomAD database is not available, as this variant may be reported differently in the database. This sequence change results in a frameshift in the LOR gene (p.Cys187Trpfs*149). While this is not anticipated to result in nonsense mediated decay, it is expected to disrupt the last 126 amino acid(s) of the LOR protein and extend the protein by 22 additional amino acid residues.

Literature cited by the submitters: PubMed 25965869.